The following is an entry in ClinVar:

NM_000038.6(APC):c.899del (p.Ala300fs)

Gene: APC (APC regulator of Wnt signaling pathway; plus strand). Cytogenetic location: 5q22.2.
Variant type: Deletion.
Coding change: c.899del on transcript NM_000038.6 (MANE Select); coding-DNA position 899, one base deleted (C; older notation c.899delC).
Protein change: p.Ala300fs; shifts the reading frame from alanine 300.
Molecular consequence: frameshift variant. On other transcripts: non-coding transcript variant (2).
Genome position (GRCh38, 1-based): chr5:112,815,559, C deleted. VCF-style (leftmost placement, unchanged base first): chr5-112815558-GC-G. GRCh37 (hg19) VCF-style: chr5-112151255-GC-G.
Other names: c.899del, p.Ala300fs (NM_001127510.3, NM_001354895.2, NM_001354896.2 and 12 more transcripts); c.845del, p.Ala282fs (NM_001127511.3); c.929del, p.Ala310fs (NM_001354897.2, NM_001354902.2, NM_001407446.1); c.824del, p.Ala275fs (NM_001354898.2, NM_001354904.2, NM_001407451.1); c.815del, p.Ala272fs (NM_001354899.2, NM_001407452.1, NM_001407467.1 and 1 more transcripts); c.722del, p.Ala241fs (NM_001354900.2, NM_001354901.2, NM_001354905.2 and 1 more transcripts); c.50del, p.Ala17fs (NM_001354906.2, NM_001407470.1, NM_001407471.1 and 1 more transcripts); short protein forms A17fs, A241fs, A272fs, A275fs, A282fs, A300fs, A310fs.
Identifiers: ClinVar variation 2583989 (VCV002583989.1), dbSNP rs2532970856, ClinGen allele CA2582341284.

ClinVar aggregate classification (germline): Pathogenic (1 of 4 stars; one submission).

Conditions:
Familial adenomatous polyposis 1 (FAP1). Also called: FAMILIAL ADENOMATOUS POLYPOSIS 1, ATTENUATED; POLYPOSIS, ADENOMATOUS INTESTINAL. Identifiers: MedGen C2713442, MONDO:0021056, OMIM 175100. Disease mechanism: loss of function.

Submission:

Myriad Genetics, Inc.
Classification: Pathogenic for Familial adenomatous polyposis 1. Last evaluated: 2023-04-27. Review status: criteria provided, single submitter. Criteria: Myriad Autosomal Dominant, Autosomal Recessive and X-Linked Classification Criteria (2023). Collection method: clinical testing. Allele origin: unknown.
Comment: This variant is considered pathogenic. This variant creates a frameshift predicted to result in premature protein truncation.